The following is an entry in ClinVar:

NM_000368.5(TSC1):c.1303C>G (p.Gln435Glu)

Gene: TSC1 (TSC complex subunit 1; minus strand). Cytogenetic location: 9q34.13.
Variant type: single nucleotide variant.
Coding change: c.1303C>G on transcript NM_000368.5 (MANE Select); coding-DNA position 1303, C replaced by G.
Protein change: p.Gln435Glu; replaces glutamine 435 with glutamic acid.
Molecular consequence: missense variant. On other transcripts: non-coding transcript variant (5).
Genome position (GRCh38, 1-based): chr9:132,907,331, G>C on the plus strand (C>G on the coding strand, the complement: TSC1 is on the minus strand). VCF-style: chr9-132907331-G-C. GRCh37 (hg19) VCF-style: chr9-135782718-G-C.
Other names: c.937C>G, p.Gln313Glu (NM_001406622.1, NM_001406623.1, NM_001406625.1 and 2 more transcripts); c.940C>G, p.Gln314Glu (NM_001406624.1, NM_001362177.2, NM_001406614.1 and 5 more transcripts); c.352C>G, p.Gln118Glu (NM_001406626.1); c.349C>G, p.Gln117Glu (NM_001406627.1, NM_001406628.1); c.250C>G, p.Gln84Glu (NM_001406629.1, NM_001406630.1); c.1300C>G, p.Gln434Glu (NM_001162426.2, NM_001406597.1, NM_001406598.1 and 6 more transcripts); c.1150C>G, p.Gln384Glu (NM_001162427.2, NM_001406610.1); c.1303C>G, p.Gln435Glu (NM_001406592.1, NM_001406593.1, NM_001406594.1 and 7 more transcripts); and 1 more; short protein forms Q118E, Q383E, Q384E, Q434E, Q117E, Q313E, Q84E, Q314E.
Identifiers: ClinVar variation 3462463 (VCV003462463.2).

ClinVar aggregate classification (germline): Uncertain significance. Review status: criteria provided, multiple submitters, no conflicts (2 of 4 stars). 2 submissions from 2 submitters: Uncertain significance (2). Last evaluated 2024-08-17.

Conditions:
Tuberous sclerosis 1 (TSC1). Identifiers: Orphanet 805, MedGen C1854465, MONDO:0008612, OMIM 191100.
Hereditary cancer-predisposing syndrome. Also called: Hereditary Cancer Syndrome; Hereditary neoplastic syndrome; Neoplastic Syndromes, Hereditary; Tumor predisposition. Identifiers: Orphanet 140162, MedGen C0027672, MeSH D009386, MONDO:0015356.

Submissions (2):

Ambry Genetics
Classification: Uncertain significance for Hereditary cancer-predisposing syndrome. Last evaluated: 2024-08-17. Review status: criteria provided, single submitter. Criteria: Ambry Variant Classification Scheme 2023. Collection method: clinical testing. Allele origin: germline.
Comment: The p.Q435E variant (also known as c.1303C>G), located in coding exon 11 of the TSC1 gene, results from a C to G substitution at nucleotide position 1303. The glutamine at codon 435 is replaced by glutamic acid, an amino acid with highly similar properties. This amino acid position is conserved. In addition, this alteration is predicted to be tolerated by in silico analysis. Based on the available evidence, the clinical significance of this variant remains unclear.

Clinical Genomics Laboratory, Stanford Medicine
Classification: Uncertain significance for Tuberous sclerosis 1. Last evaluated: 2022-09-09. Review status: criteria provided, single submitter. Criteria: ACMG Guidelines, 2015. Collection method: clinical testing. Allele origin: germline. Observed: 1 variant allele, 1 heterozygote.